The following is an entry in ClinVar:

ClinVar aggregate classification (germline): Uncertain significance. Review status: criteria provided, multiple submitters, no conflicts (2 of 4 stars). 2 submissions from 2 submitters: Uncertain significance (2). Last evaluated 2025-12-17.

Conditions:
Inborn genetic diseases. Identifiers: MedGen C0950123, MeSH D030342.
Brachyolmia-amelogenesis imperfecta syndrome. Also called: PLATYSPONDYLY WITH AMELOGENESIS IMPERFECTA; Tooth agenesis, selective, 6; Dental anomalies and short stature. Identifiers: Orphanet 2899, MedGen C1832594, MONDO:0011018, OMIM 601216. Disease mechanism: loss of function.

Allele frequency attached by ClinVar (database versions not stated): gnomAD 0.00005 and 0.00006; TOPMed 0.00007; ESP Exome Variant Server 0.00015.

Submissions (2):

Labcorp Genetics (formerly Invitae), Labcorp
Classification: Uncertain significance for Brachyolmia-amelogenesis imperfecta syndrome. Last evaluated: 2025-12-17. Review status: criteria provided, single submitter. Criteria: Invitae Variant Classification Sherloc (09022015). Collection method: clinical testing. Allele origin: germline.
Comment: This sequence change replaces proline, which is neutral and non-polar, with leucine, which is neutral and non-polar, at codon 494 of the LTBP3 protein (p.Pro494Leu). This variant is present in population databases (rs368007426, gnomAD 0.03%). This variant has not been reported in the literature in individuals affected with LTBP3-related conditions. ClinVar contains an entry for this variant (Variation ID: 1436869). An algorithm developed to predict the effect of missense changes on protein structure and function (PolyPhen-2) suggests that this variant is likely to be disruptive. In summary, the available evidence is currently insufficient to determine the role of this variant in disease. Therefore, it has been classified as a Variant of Uncertain Significance.

Ambry Genetics
Classification: Uncertain significance for Inborn genetic diseases. Last evaluated: 2022-11-27. Review status: criteria provided, single submitter. Criteria: Ambry Variant Classification Scheme 2023. Collection method: clinical testing. Allele origin: germline.
Comment: The p.P494L variant (also known as c.1481C>T), located in coding exon 8 of the LTBP3 gene, results from a C to T substitution at nucleotide position 1481. The proline at codon 494 is replaced by leucine, an amino acid with similar properties. This amino acid position is conserved. In addition, the in silico prediction for this alteration is inconclusive. Since supporting evidence is limited at this time, the clinical significance of this alteration remains unclear.

NM_001130144.3(LTBP3):c.1481C>T (p.Pro494Leu)

Gene: LTBP3 (latent transforming growth factor beta binding protein 3; minus strand). Cytogenetic location: 11q13.1.
Variant type: single nucleotide variant.
Coding change: c.1481C>T on transcript NM_001130144.3 (MANE Select); coding-DNA position 1481, C replaced by T.
Protein change: p.Pro494Leu; replaces proline 494 with leucine.
Molecular consequence: missense variant.
Genome position (GRCh38, 1-based): chr11:65,552,022, G>A on the plus strand (C>T on the coding strand, the complement: LTBP3 is on the minus strand). VCF-style: chr11-65552022-G-A. GRCh37 (hg19) VCF-style: chr11-65319493-G-A.
Other names: c.1130C>T, p.Pro377Leu (NM_001164266.1); c.1481C>T, p.Pro494Leu (NM_021070.4); c.1481C>T (NM_001130144.2); short protein forms P494L, P377L.
Identifiers: ClinVar variation 1436869 (VCV001436869.7), dbSNP rs368007426, ClinGen allele CA6100978.